The following is an entry in ClinVar:

ClinVar aggregate classification (germline): Uncertain significance (1 of 4 stars; one submission).

Conditions:
Aortic aneurysm, familial thoracic 7 (AAT7). Also called: AORTIC DISSECTION, FAMILIAL, WITH OR WITHOUT AORTIC ANEURYSM. Identifiers: MedGen C3151077, MONDO:0013418, OMIM 613780.

Submission:

Labcorp Genetics (formerly Invitae), Labcorp
Classification: Uncertain significance for Aortic aneurysm, familial thoracic 7. Last evaluated: 2022-03-05. Review status: criteria provided, single submitter. Criteria: Invitae Variant Classification Sherloc (09022015). Collection method: clinical testing. Allele origin: germline.
Comment: Algorithms developed to predict the effect of sequence changes on RNA splicing suggest that this variant may create or strengthen a splice site. Advanced modeling of protein sequence and biophysical properties (such as structural, functional, and spatial information, amino acid conservation, physicochemical variation, residue mobility, and thermodynamic stability) performed at Invitae indicates that this missense variant is not expected to disrupt MYLK protein function. This variant has not been reported in the literature in individuals affected with MYLK-related conditions. This variant is not present in population databases (gnomAD no frequency). This sequence change replaces methionine, which is neutral and non-polar, with valine, which is neutral and non-polar, at codon 1740 of the MYLK protein (p.Met1740Val). In summary, the available evidence is currently insufficient to determine the role of this variant in disease. Therefore, it has been classified as a Variant of Uncertain Significance.

NM_053025.4(MYLK):c.5218A>G (p.Met1740Val)

Genes: MYLK-AS1 (MYLK antisense RNA 1; plus strand), MYLK (myosin light chain kinase; minus strand). Cytogenetic location: 3q21.1.
Variant type: single nucleotide variant.
Coding change: c.5218A>G on transcript NM_053025.4 (MANE Select); coding-DNA position 5218, A replaced by G.
Protein change: p.Met1740Val; replaces methionine 1740 with valine.
Molecular consequence: missense variant.
Genome position (GRCh38, 1-based): chr3:123,626,838, T>C on the plus strand (A>G on the coding strand, the complement: MYLK is on the minus strand). VCF-style: chr3-123626838-T-C. GRCh37 (hg19) VCF-style: chr3-123345685-T-C.
Other names: c.4690A>G, p.Met1564Val (NM_001321309.2); c.5011A>G, p.Met1671Val (NM_053026.4); c.5065A>G, p.Met1689Val (NM_053027.4); c.4858A>G, p.Met1620Val (NM_053028.4); short protein forms M1564V, M1740V, M1671V, M1620V, M1689V.
Identifiers: ClinVar variation 2202281 (VCV002202281.4), dbSNP rs2058171780, ClinGen allele CA354232831.